The following is an entry in ClinVar:

NM_138694.4(PKHD1):c.9615del (p.Ile3205fs)

Gene: PKHD1 (PKHD1 ciliary IPT domain containing fibrocystin/polyductin; minus strand). Cytogenetic location: 6p12.3.
Variant type: Deletion.
Coding change: c.9615del on transcript NM_138694.4 (MANE Select); coding-DNA position 9615, one base deleted (T; older notation c.9615delT).
Protein change: p.Ile3205fs; shifts the reading frame from isoleucine 3205.
Molecular consequence: frameshift variant.
Genome position (GRCh38, 1-based): chr6:51,748,001, A deleted on the plus strand (T on the coding strand, the reverse complement: PKHD1 is on the minus strand); the first of 2 consecutive A bases (chr6:51,748,001-51,748,002); deleting either gives the same sequence. VCF-style (leftmost placement, unchanged base first): chr6-51748000-CA-C. GRCh37 (hg19) VCF-style: chr6-51612798-CA-C.
Other names: c.9615del, p.Ile3205fs (NM_170724.3); c.9615delT (NM_138694.3); short protein forms I3205fs.
Identifiers: ClinVar variation 2421968 (VCV002421968.9), dbSNP rs2533809100, ClinGen allele CA2580075426.

ClinVar aggregate classification (germline): Pathogenic/Likely pathogenic. Review status: criteria provided, multiple submitters, no conflicts (2 of 4 stars). 3 submissions from 3 submitters: Pathogenic (1); Likely pathogenic (2). Last evaluated 2026-02-03.

Conditions:
Autosomal recessive polycystic kidney disease (ARPKD). Also called: AR polycystic kidney disease. Identifiers: Orphanet 731, Orphanet 8378, MedGen C0085548, MeSH D017044, MONDO:0009889.
PKHD1-related disorder. Also called: PKHD1-related condition.

Submissions (3):

PreventionGenetics, part of Exact Sciences
Classification: Likely pathogenic for PKHD1-related condition. Last evaluated: 2026-02-03. Review status: criteria provided, single submitter. Criteria: ACMG Guidelines, 2015. Collection method: clinical testing. Allele origin: germline.
Comment: The PKHD1 c.9615delT variant is predicted to result in a frameshift and premature protein termination (p.Ile3205Metfs*15). T our knowledge, this variant has not been reported in the literature or in a large population database (gnomAD), indicating this variant is rare. Frameshift variants in PKHD1 are expected to be pathogenic. This variant is interpreted as likely pathogenic.

Natera, Inc.
Classification: Likely pathogenic for Autosomal recessive polycystic kidney disease. Last evaluated: 2024-06-13. Review status: criteria provided, single submitter. Criteria: Natera Variant Classification Schema (03/2026). Collection method: clinical testing. Allele origin: germline.
Comment: The c.9615delT variant in PKHD1 is a frameshift variant predicted to shift the reading frame beginning at codon 3205 and leads to a stop codon 15 codons downstream. This variant is expected to result in nonsense mediated decay, truncation, or a dysfunctional protein product. This variant is rare in the general population with a frequency below the threshold expected for the associated phenotype(s). Given the available evidence, this variant is classified as Likely Pathogenic.

Labcorp Genetics (formerly Invitae), Labcorp
Classification: Pathogenic for Autosomal recessive polycystic kidney disease. Last evaluated: 2022-03-02. Review status: criteria provided, single submitter. Criteria: Invitae Variant Classification Sherloc (09022015). Collection method: clinical testing. Allele origin: germline.
Comment: This variant has not been reported in the literature in individuals affected with PKHD1-related conditions. This variant is not present in population databases (gnomAD no frequency). This sequence change creates a premature translational stop signal (p.Ile3205Metfs*15) in the PKHD1 gene. It is expected to result in an absent or disrupted protein product. Loss-of-function variants in PKHD1 are known to be pathogenic (PMID: 19940839). For these reasons, this variant has been classified as Pathogenic.

Literature cited by the submitters: PubMed 19940839 (cited by Labcorp Genetics (formerly Invitae), Labcorp).